The following is an entry in ClinVar:

ClinVar aggregate classification (germline): Uncertain significance. Review status: criteria provided, multiple submitters, no conflicts (2 of 4 stars). 3 submissions from 3 submitters: Uncertain significance (3). Last evaluated 2025-05-06.

Conditions:
SCN11A-related disorder. Also called: SCN11A-related condition.
Hereditary sensory and autonomic neuropathy type 7. Also called: Neuropathy, hereditary sensory and autonomic, type VII; HSAN VII. Identifiers: Orphanet 391397, MedGen C3809882, MONDO:0014244, OMIM 615548.
Familial episodic pain syndrome with predominantly lower limb involvement. Also called: Episodic pain syndrome, familial, 3. Identifiers: Orphanet 391384, Orphanet 391392, MedGen C3809899, MONDO:0014247, OMIM 615552.
Inborn genetic diseases. Identifiers: MedGen C0950123, MeSH D030342.

Allele frequency attached by ClinVar (database versions not stated): ESP Exome Variant Server 0.00008; gnomAD exomes below 0.00001; ExAC 0.00001.
gnomAD v4.1: 3 of 1,613,642 alleles (0.00019%); highest among the groups gnomAD compares: Non-Finnish European, 0.00025%; no homozygotes.

Submissions (3):

PreventionGenetics, part of Exact Sciences
Classification: Uncertain significance for SCN11A-related condition. Last evaluated: 2025-05-06. Review status: criteria provided, single submitter. Criteria: ACMG Guidelines, 2015. Collection method: clinical testing. Allele origin: germline.
Comment: The SCN11A c.4397G>A variant is predicted to result in the amino acid substitution p.Arg1466His. To our knowledge, this variant has not been reported in the literature. This variant is reported in 0.0062% of alleles in individuals of African descent in gnomAD. At this time, the clinical significance of this variant is uncertain due to the absence of conclusive functional and genetic evidence.

Ambry Genetics
Classification: Uncertain significance for Inborn genetic diseases. Last evaluated: 2025-03-26. Review status: criteria provided, single submitter. Criteria: Ambry Variant Classification Scheme 2023. Collection method: clinical testing. Allele origin: germline.

Labcorp Genetics (formerly Invitae), Labcorp
Classification: Uncertain significance for Familial episodic pain syndrome with predominantly lower limb involvement; Hereditary sensory and autonomic neuropathy type 7. Last evaluated: 2022-09-01. Review status: criteria provided, single submitter. Criteria: Invitae Variant Classification Sherloc (09022015). Collection method: clinical testing. Allele origin: germline.
Comment: In summary, the available evidence is currently insufficient to determine the role of this variant in disease. Therefore, it has been classified as a Variant of Uncertain Significance. Algorithms developed to predict the effect of missense changes on protein structure and function (SIFT, PolyPhen-2, Align-GVGD) all suggest that this variant is likely to be disruptive. ClinVar contains an entry for this variant (Variation ID: 653037). This variant has not been reported in the literature in individuals affected with SCN11A-related conditions. This variant is present in population databases (rs143014764, gnomAD 0.007%). This sequence change replaces arginine, which is basic and polar, with histidine, which is basic and polar, at codon 1466 of the SCN11A protein (p.Arg1466His).

NM_001349253.2(SCN11A):c.4397G>A (p.Arg1466His)

Gene: SCN11A (sodium voltage-gated channel alpha subunit 11; minus strand). Cytogenetic location: 3p22.2.
Variant type: single nucleotide variant.
Coding change: c.4397G>A on transcript NM_001349253.2 (MANE Select); coding-DNA position 4397, G replaced by A.
Protein change: p.Arg1466His; replaces arginine 1466 with histidine.
Molecular consequence: missense variant.
Genome position (GRCh38, 1-based): chr3:38,847,673, C>T on the plus strand (G>A on the coding strand, the complement: SCN11A is on the minus strand). VCF-style: chr3-38847673-C-T. GRCh37 (hg19) VCF-style: chr3-38889164-C-T.
Other names: c.4397G>A, p.Arg1466His (NM_014139.3); short protein forms R1466H.
Identifiers: ClinVar variation 653037 (VCV000653037.7), dbSNP rs143014764, ClinGen allele CA2321523.